The following is an entry in ClinVar:

ClinVar aggregate classification (germline): Likely pathogenic (1 of 4 stars; one submission).

Submission:

Labcorp Genetics (formerly Invitae), Labcorp
Classification: Likely pathogenic. Last evaluated: 2025-11-27. Review status: criteria provided, single submitter. Criteria: Invitae Variant Classification Sherloc (09022015). Collection method: clinical testing. Allele origin: germline.
Comment: This variant results in the deletion of part of exon 19 (c.4679_4689+23del) of the CAMTA1 gene. It is expected to disrupt RNA splicing. Variants that disrupt the donor or acceptor splice site typically lead to a loss of protein function (PMID: 16199547), and loss-of-function variants in CAMTA1 are known to be pathogenic (PMID: 22693284). This variant is not present in population databases (gnomAD no frequency). This variant has not been reported in the literature in individuals affected with CAMTA1-related conditions. ClinVar contains an entry for this variant (Variation ID: 3725448). In summary, the currently available evidence indicates that the variant is pathogenic, but additional data are needed to prove that conclusively. Therefore, this variant has been classified as Likely Pathogenic.

Literature cited by the submitters: PubMed 16199547; PubMed 22693284.

NM_015215.4(CAMTA1):c.4679_4689+23del

Gene: CAMTA1 (calmodulin binding transcription activator 1; plus strand). Cytogenetic location: 1p36.23.
Variant type: Deletion.
Coding change: c.4679_4689+23del on transcript NM_015215.4 (MANE Select); coding-DNA position 4679 through 23 bases into the intron after coding-DNA position 4689, 34 bases deleted.
Molecular consequence: splice donor variant.
Genome position (GRCh38, 1-based): chr1:7,747,771-7,747,804, 34 bases deleted; deleting any 34 consecutive bases within chr1:7,747,770-7,747,804 gives the same sequence; the c. name uses the placement nearest the transcript's 3' end. GRCh37 (hg19): chr1:7,807,831-7,807,864.
Other names: c.4340_4350+23del (NM_001349609.2, NM_001349610.2, NM_001410737.1); c.4268_4278+23del (NM_001410738.1); c.4589_4599+23del (NM_001349608.2); c.4250_4260+23del (NM_001349612.2); c.1751_1761+23del (NM_001349614.1, NM_001349617.1, NM_001349616.2 and 2 more transcripts); c.1412_1422+23del (NM_001349620.1, NM_001349621.1, NM_001349625.2 and 5 more transcripts); c.1808_1818+23del (NM_001349613.1).
Identifiers: ClinVar variation 3725448 (VCV003725448.2).